The following is an entry in ClinVar:

NM_024675.4(PALB2):c.2056del (p.Arg686fs)

Gene: PALB2 (partner and localizer of BRCA2; minus strand). Cytogenetic location: 16p12.2.
Variant type: Deletion.
Coding change: c.2056del on transcript NM_024675.4 (MANE Select); coding-DNA position 2056, one base deleted (A; older notation c.2056delA).
Protein change: p.Arg686fs; shifts the reading frame from arginine 686.
Molecular consequence: frameshift variant.
Genome position (GRCh38, 1-based): chr16:23,630,098, T deleted on the plus strand (A on the coding strand, the reverse complement: PALB2 is on the minus strand); the first of 4 consecutive T bases (chr16:23,630,098-23,630,101); deleting any one gives the same sequence. VCF-style (leftmost placement, unchanged base first): chr16-23630097-CT-C. GRCh37 (hg19) VCF-style: chr16-23641418-CT-C.
Other names: c.2056delA (NM_024675.3); short protein forms R686fs.
Identifiers: ClinVar variation 410164 (VCV000410164.13), dbSNP rs1060502771, ClinGen allele CA16614833.

ClinVar aggregate classification (germline): Pathogenic/Likely pathogenic. Review status: criteria provided, multiple submitters, no conflicts (2 of 4 stars). 3 submissions from 3 submitters: Pathogenic (2); Likely pathogenic (1). Last evaluated 2024-02-24.

Conditions:
Familial cancer of breast. Also called: Hereditary breast cancer; BREAST CANCER, FAMILIAL; hereditary breast carcinoma. Identifiers: Orphanet 227535, MedGen C0346153, MONDO:0016419, OMIM 114480. Disease mechanism: loss of function.
Breast-ovarian cancer, familial, susceptibility to, 5 (BROVCA5). Identifiers: MedGen C5830615, MONDO:0957530, OMIM 620442.

Submissions (3):

Labcorp Genetics (formerly Invitae), Labcorp
Classification: Pathogenic for Familial cancer of breast. Last evaluated: 2024-02-24. Review status: criteria provided, single submitter. Criteria: Invitae Variant Classification Sherloc (09022015). Collection method: clinical testing. Allele origin: germline.
Comment: This sequence change creates a premature translational stop signal (p.Arg686Glyfs*23) in the PALB2 gene. It is expected to result in an absent or disrupted protein product. Loss-of-function variants in PALB2 are known to be pathogenic (PMID: 17200668, 17200671, 17200672, 24136930, 25099575). This variant is not present in population databases (gnomAD no frequency). This premature translational stop signal has been observed in individual(s) with prostate cancer and breast cancer (PMID: 25794774, 26681312, 27433846, 28194609). ClinVar contains an entry for this variant (Variation ID: 410164). For these reasons, this variant has been classified as Pathogenic.

Baylor Genetics
Classification: Pathogenic for Familial cancer of breast. Last evaluated: 2023-08-22. Review status: criteria provided, single submitter. Criteria: ACMG Guidelines, 2015. Collection method: clinical testing. Allele origin: unknown.

Juno Genomics, Hangzhou Juno Genomics, Inc
Classification: Likely pathogenic for Breast-ovarian cancer, familial, susceptibility to, 5. Review status: criteria provided, single submitter. Criteria: ACMG Guidelines, 2015. Collection method: clinical testing. Allele origin: germline.
Comment: Absent from controls (or at extremely low frequency if recessive) in Genome Aggregation Database.;Null variant in a gene where loss of function (LOF) is a known mechanism of disease.

Literature cited by the submitters: PubMed 17200668 (cited by Labcorp Genetics (formerly Invitae), Labcorp); PubMed 17200671 (cited by Labcorp Genetics (formerly Invitae), Labcorp); PubMed 17200672 (cited by Labcorp Genetics (formerly Invitae), Labcorp); PubMed 24136930 (cited by Labcorp Genetics (formerly Invitae), Labcorp); PubMed 25099575 (cited by Labcorp Genetics (formerly Invitae), Labcorp); PubMed 25794774 (cited by Labcorp Genetics (formerly Invitae), Labcorp); PubMed 26681312 (cited by Labcorp Genetics (formerly Invitae), Labcorp); PubMed 27433846 (cited by Labcorp Genetics (formerly Invitae), Labcorp); PubMed 28194609 (cited by Labcorp Genetics (formerly Invitae), Labcorp).